The following is an entry in ClinVar:

NM_020762.4(SRGAP1):c.2734A>G (p.Arg912Gly)

Gene: SRGAP1 (SLIT-ROBO Rho GTPase activating protein 1; plus strand). Cytogenetic location: 12q14.2.
Variant type: single nucleotide variant.
Coding change: c.2734A>G on transcript NM_020762.4 (MANE Select); coding-DNA position 2734, A replaced by G.
Protein change: p.Arg912Gly; replaces arginine 912 with glycine.
Molecular consequence: missense variant.
Genome position (GRCh38, 1-based): chr12:64,128,054, A>G. VCF-style: chr12-64128054-A-G. GRCh37 (hg19) VCF-style: chr12-64521834-A-G.
Other names: c.2665A>G, p.Arg889Gly (NM_001346201.2); short protein forms R889G, R912G.
Identifiers: ClinVar variation 997934 (VCV000997934.1), dbSNP rs572030421, ClinGen allele CA6667087.

ClinVar aggregate classification (germline): Uncertain significance (1 of 4 stars; one submission).

Allele frequency attached by ClinVar (database versions not stated): ExAC 0.00003; gnomAD exomes 0.00004; TOPMed 0.00004; gnomAD 0.00005.
gnomAD v4.1: 59 of 1,613,986 alleles (0.0037%); highest among the groups gnomAD compares: Non-Finnish European, 0.0047%; no homozygotes.

Submission:

Women's Health and Genetics/Laboratory Corporation of America, LabCorp
Classification: Uncertain significance. Last evaluated: 2021-02-02. Review status: criteria provided, single submitter. Criteria: LabCorp Variant Classification Summary - May 2015. Collection method: clinical testing. Allele origin: germline.
Comment: Variant summary: SRGAP1 c.2734A>G (p.Arg912Gly) results in a non-conservative amino acid change in the encoded protein sequence. Three of five in-silico tools predict a benign effect of the variant on protein function. The variant allele was found at a frequency of 5.3e-05 in 282690 control chromosomes (gnomAD). To our knowledge, no occurrence of c.2734A>G in individuals affected with SRGAP1-Related Disorders and no experimental evidence demonstrating its impact on protein function have been reported. No clinical diagnostic laboratories have submitted clinical-significance assessments for this variant to ClinVar after 2014. Based on the evidence outlined above, the variant was classified as uncertain significance.